The following is an entry in ClinVar:

NM_014363.6(SACS):c.10136T>G (p.Leu3379Ter)

Gene: SACS (sacsin molecular chaperone; minus strand). Cytogenetic location: 13q12.12.
Variant type: single nucleotide variant.
Coding change: c.10136T>G on transcript NM_014363.6 (MANE Select); coding-DNA position 10136, T replaced by G.
Protein change: p.Leu3379Ter; replaces leucine 3379 with a stop codon.
Molecular consequence: nonsense.
Genome position (GRCh38, 1-based): chr13:23,333,740, A>C on the plus strand (T>G on the coding strand, the complement: SACS is on the minus strand). VCF-style: chr13-23333740-A-C. GRCh37 (hg19) VCF-style: chr13-23907879-A-C.
Other names: c.9695T>G, p.Leu3232Ter (NM_001278055.2); c.10136T>G (NM_014363.5); short protein forms L3379*, L3232*.
Identifiers: ClinVar variation 371410 (VCV000371410.16), dbSNP rs1057517250, ClinGen allele CA16041608.
Genomic context (GRCh38, chr13:23,333,740, plus strand): 5'-ATCAAATGATTCAAATTGCAGTTGAAATACATCAAAAGTGCCTCAAAATCATTTTCTACT[A>C]ATTTTTCTGCTCTAAATGTTGAAGTTTGGACCATATAATGTAGAGCCTTCAAGATGCTTG-3'

ClinVar aggregate classification (germline): Pathogenic/Likely pathogenic. Review status: criteria provided, multiple submitters, no conflicts (2 of 4 stars). 9 submissions from 9 submitters: Pathogenic (6); Likely pathogenic (2). 1 of the submissions does not count toward it. Last evaluated 2025-11-24.

Conditions:
Spastic paraplegia. Identifiers: MedGen C0037772, HP:0001258.
Charlevoix-Saguenay spastic ataxia (SACS). Also called: Spastic ataxia of Charlevoix-Saguenay; SPASTIC ATAXIA 6, AUTOSOMAL RECESSIVE; AUTOSOMAL RECESSIVE SPASTIC ATAXIA OF CHARLEVOIX-SAGUENAY. Identifiers: Orphanet 98, MedGen C1849140, MONDO:0010041, OMIM 270550.

Allele frequency attached by ClinVar (database versions not stated): TOPMed below 0.00001; gnomAD 0.00001.
gnomAD v4.1: 2 of 1,613,678 alleles (0.00012%); highest among the groups gnomAD compares: Non-Finnish European, 0.00017%; no homozygotes.

Submissions (9):

Natera, Inc.
Classification: Likely pathogenic for Charlevoix-Saguenay type spastic ataxia. Last evaluated: 2025-11-24. Review status: criteria provided, single submitter. Criteria: Natera Variant Classification Schema (03/2026). Collection method: clinical testing. Allele origin: germline.
Comment: The c.10136T>G variant in SACS is a nonsense variant predicted to introduce a stop codon at amino acid 3379. This variant is expected to result in nonsense mediated decay, truncation, or a dysfunctional protein product. This variant is rare in the general population with a frequency below the threshold expected for the associated phenotype(s). This variant has been observed in one or more individuals affected with the associated recessive disease, as either homozygous or compound heterozygous with a second variant (PMID: 29968200). Given the available evidence, this variant is classified as Likely Pathogenic.

Labcorp Genetics (formerly Invitae), Labcorp
Classification: Pathogenic for Spastic paraplegia. Last evaluated: 2023-12-04. Review status: criteria provided, single submitter. Criteria: Invitae Variant Classification Sherloc (09022015). Collection method: clinical testing. Allele origin: germline.
Comment: This sequence change creates a premature translational stop signal (p.Leu3379*) in the SACS gene. While this is not anticipated to result in nonsense mediated decay, it is expected to disrupt the last 1201 amino acid(s) of the SACS protein. This variant is not present in population databases (gnomAD no frequency). This premature translational stop signal has been observed in individual(s) with SACS-related conditions (PMID: 29968200). ClinVar contains an entry for this variant (Variation ID: 371410). This variant disrupts a region of the SACS protein in which other variant(s) (p.Tyr4538*) have been determined to be pathogenic (Invitae). This suggests that this is a clinically significant region of the protein, and that variants that disrupt it are likely to be disease-causing. For these reasons, this variant has been classified as Pathogenic.

Baylor Genetics
Classification: Likely pathogenic for Charlevoix-Saguenay spastic ataxia. Last evaluated: 2023-08-21. Review status: criteria provided, single submitter. Criteria: ACMG Guidelines, 2015. Collection method: clinical testing. Allele origin: unknown.

Variantyx, Inc.
Classification: Pathogenic for Charlevoix-Saguenay spastic ataxia. Last evaluated: 2022-11-07. Review status: criteria provided, single submitter. Criteria: Variantyx Assertion Criteria 2022. Collection method: clinical testing. Allele origin: germline. Inheritance: Autosomal recessive inheritance. Affected: yes.
Comment: This is a nonsense variant in the SACS gene (OMIM 604490). Biallelic pathogenic variants in this gene have been associated with autosomal recessive spastic ataxia of the Charlevoix-Saguenay type (ARSACS). This variant introduces a premature termination codon in exon 10 out of 10. It is expected to disrupt the C-terminal region of the protein and result in loss of function, which is a known disease mechanism for SACS in this disorder (PMID: 21507954, 25260547). Additionally, multiple loss-of-function variants downstream of this position have also been reported as pathogenic (PMID: 18465152, 18604465, 20798953, 24180463, 26288984) (PVS1). This variant has been reported in the compound heterozygous state in at least 1 affected individual (PMID: 29968200) (PM3_Supporting). This variant has a 0.001471% maximum allele frequency in non-founder control populations, which is lower than expected for the prevalence of ARSACS (PM2_Supporting). Based on current evidence, this variant is interpreted as pathogenic for autosomal recessive ARSACS.

PROSPAX: an integrated multimodal progression  chart in spastic ataxias, Center for Neurology; Hertie-Institute for Clinical Brain Research
Classification: Pathogenic for Charlevoix-Saguenay spastic ataxia. Last evaluated: 2022-01-01. Review status: criteria provided, single submitter. Criteria: ACMG Guidelines, 2015. Collection method: research. Allele origin: germline. Affected: yes. Observed: 1 variant allele, 1 compound heterozygote.

Genome-Nilou Lab
Classification: Pathogenic for Charlevoix-Saguenay spastic ataxia. Last evaluated: 2021-09-05. Review status: criteria provided, single submitter. Criteria: ACMG Guidelines, 2015. Collection method: clinical testing. Allele origin: germline. Affected: no.

Fulgent Genetics
Classification: Pathogenic for Charlevoix-Saguenay spastic ataxia. Last evaluated: 2021-08-18. Review status: criteria provided, single submitter. Criteria: ACMG Guidelines, 2015. Collection method: clinical testing. Allele origin: unknown.

Athena Diagnostics
Classification: Pathogenic. Last evaluated: 2019-07-23. Review status: criteria provided, single submitter. Criteria: Athena Diagnostics Criteria. Collection method: clinical testing. Allele origin: germline.
Comment: The variant creates a premature nonsense codon, and is therefore predicted to result in the loss of a functional protein. Found in at least one symptomatic patient, and not found in general population data.

Counsyl
Classification: Likely pathogenic for Charlevoix-Saguenay spastic ataxia. Last evaluated: 2016-09-19. Review status: no assertion criteria provided. Collection method: clinical testing. Allele origin: unknown. Not counted in ClinVar's aggregate classification.

Literature cited by the submitters: PubMed 29968200 (cited by 4 submitters); PubMed 18465152 (cited by Variantyx, Inc.); PubMed 18604465 (cited by Variantyx, Inc.); PubMed 20798953 (cited by Variantyx, Inc.); PubMed 21507954 (cited by Variantyx, Inc.); PubMed 24180463 (cited by Variantyx, Inc.); PubMed 25260547 (cited by Variantyx, Inc.); PubMed 26288984 (cited by Variantyx, Inc.).